The following is an entry in ClinVar:

NM_201384.3(PLEC):c.4906C>G (p.Leu1636Val)

Gene: PLEC (plectin; minus strand). Cytogenetic location: 8q24.3.
Variant type: single nucleotide variant.
Coding change: c.4906C>G on transcript NM_201384.3 (MANE Select); coding-DNA position 4906, C replaced by G.
Protein change: p.Leu1636Val; replaces leucine 1636 with valine.
Molecular consequence: missense variant. On other transcripts: intron variant (1).
Genome position (GRCh38, 1-based): chr8:143,925,023, G>C on the plus strand (C>G on the coding strand, the complement: PLEC is on the minus strand). VCF-style: chr8-143925023-G-C. GRCh37 (hg19) VCF-style: chr8-144999191-G-C.
Other names: c.4987C>G, p.Leu1663Val (NM_000445.5); c.4864C>G, p.Leu1622Val (NM_201378.4); c.4840C>G, p.Leu1614Val (NM_201379.3); c.5317C>G, p.Leu1773Val (NM_201380.4); c.4810C>G, p.Leu1604Val (NM_201381.3); c.4906C>G, p.Leu1636Val (NM_201382.4); c.4918C>G, p.Leu1640Val (NM_201383.3); c.4125+1761C>G (NM_001410941.1); short protein forms L1604V, L1614V, L1636V, L1640V, L1663V, L1773V, L1622V.
Identifiers: ClinVar variation 4794803 (VCV004794803.1).
Genomic context (GRCh38, chr8:143,925,023, plus strand): 5'-TCTTCTGCTGCGCCACCTCCTCCGCCTGCAGCCGCAGCCGTAGCGCCTCGTTGGCCTTGA[G>C]CTGCCAGCGCTCCAGCTCCCGCTCTGCCTCCTCGCGCGCCCGCTCGGCCTCGGCCTGCTG-3'
Protein context (NP_958786.1, residues 1626-1646): EAERELERWQ[Leu1636Val]KANEALRLRL

ClinVar aggregate classification (germline): Uncertain significance (1 of 4 stars; one submission).

Conditions:
Epidermolysis bullosa simplex 5B, with muscular dystrophy (EBS5B). Also called: EPIDERMOLYSIS BULLOSA SIMPLEX AND LIMB-GIRDLE MUSCULAR DYSTROPHY; Epidermolysis bullosa simplex with muscular dystrophy. Identifiers: Orphanet 257, MedGen C2931072, MONDO:0009181, OMIM 226670.
Epidermolysis bullosa simplex, Ogna type (EBS5A). Also called: Pidermolysis bullosa simplex 5A, Ogna type; EPIDERMOLYSIS BULLOSA SIMPLEX 5A, OGNA TYPE. Identifiers: Orphanet 79401, MedGen C0432317, MONDO:0007555, OMIM 131950.
Epidermolysis bullosa simplex 5C, with pyloric atresia (EBS5C). Also called: Epidermolysis bullosa simplex with pyloric atresia; PLEC-Related Epidermolysis Bullosa with Pyloric Atresia; PLEC1-Related Epidermolysis Bullosa with Pyloric Atresia. Identifiers: Orphanet 158684, MedGen C2677349, MONDO:0012807, OMIM 612138.
Autosomal recessive limb-girdle muscular dystrophy type 2Q (LGMDR17). Also called: MUSCULAR DYSTROPHY, LIMB-GIRDLE, AUTOSOMAL RECESSIVE 17. Identifiers: Orphanet 254361, MedGen C3150989, MONDO:0013390, OMIM 613723.
Epidermolysis bullosa simplex with nail dystrophy (EBS5D). Identifiers: MedGen C4225309, MONDO:0014661, OMIM 616487.

Submission:

Labcorp Genetics (formerly Invitae), Labcorp
Classification: Uncertain significance for Autosomal recessive limb-girdle muscular dystrophy type 2Q; Epidermolysis bullosa simplex, Ogna type; Epidermolysis bullosa simplex with nail dystrophy; Epidermolysis bullosa simplex 5C, with pyloric atresia; Epidermolysis bullosa simplex 5B, with muscular dystrophy. Last evaluated: 2026-01-15. Review status: criteria provided, single submitter. Criteria: Invitae Variant Classification Sherloc (09022015). Collection method: clinical testing. Allele origin: germline.
Comment: This sequence change replaces leucine, which is neutral and non-polar, with valine, which is neutral and non-polar, at codon 1663 of the PLEC protein (p.Leu1663Val). This variant is present in population databases (rs538434089, gnomAD 0.03%). This variant has not been reported in the literature in individuals affected with PLEC-related conditions. Experimental studies and prediction algorithms are not available or were not evaluated, and the functional significance of this variant is currently unknown. In summary, the available evidence is currently insufficient to determine the role of this variant in disease. Therefore, it has been classified as a Variant of Uncertain Significance.